The following is an entry in ClinVar:

ClinVar aggregate classification (germline): Uncertain significance (1 of 4 stars; one submission).

Allele frequency attached by ClinVar (database versions not stated): gnomAD exomes below 0.00001.
gnomAD v4.1: 1 of 1,612,378 alleles (0.000062%); highest among the groups gnomAD compares: Non-Finnish European, 0.000085%; no homozygotes.

Submission:

Laboratory for Molecular Medicine, Mass General Brigham Personalized Medicine
Classification: Uncertain significance. Last evaluated: 2015-04-07. Review status: criteria provided, single submitter. Criteria: LMM Criteria. Collection method: clinical testing. Allele origin: germline. Observed: 1 variant allele.
Comment: The p.Met285Thr variant in ACTC1 has not been previously reported in individuals with cardiomyopathy or large population studies. Computational prediction tools and conservation analysis suggest that this variant may impact the protein, tho ugh this information is not predictive enough to determine pathogenicity. In sum mary, the clinical significance of the p.Met285Thr variant is uncertain.

NM_005159.5(ACTC1):c.854T>C (p.Met285Thr)

Genes: ACTC1 (actin alpha cardiac muscle 1; minus strand), GJD2-DT (GJD2 divergent transcript; plus strand). Cytogenetic location: 15q14.
Variant type: single nucleotide variant.
Coding change: c.854T>C on transcript NM_005159.5 (MANE Select); coding-DNA position 854, T replaced by C.
Protein change: p.Met285Thr; replaces methionine 285 with threonine.
Molecular consequence: missense variant.
Genome position (GRCh38, 1-based): chr15:34,791,250, A>G on the plus strand (T>C on the coding strand, the complement: ACTC1 is on the minus strand). VCF-style: chr15-34791250-A-G. GRCh37 (hg19) VCF-style: chr15-35083451-A-G.
Other names: short protein forms M285T.
Identifiers: ClinVar variation 222482 (VCV000222482.4), dbSNP rs869025354, ClinGen allele CA352125.